The following is an entry in ClinVar:

ClinVar aggregate classification (germline): Uncertain significance (1 of 4 stars; one submission).

Submission:

Ambry Genetics
Classification: Uncertain significance. Last evaluated: 2025-11-30. Review status: criteria provided, single submitter. Criteria: Ambry Variant Classification Scheme 2023. Collection method: clinical testing. Allele origin: germline.
Comment: The p.P91S variant (also known as c.271C>T), located in coding exon 1 of the PALLD gene, results from a C to T substitution at nucleotide position 271. The proline at codon 91 is replaced by serine, an amino acid with similar properties. This amino acid position is conserved. In addition, the in silico prediction for this alteration is inconclusive. Based on the available evidence, the clinical significance of this variant remains unclear.

NM_001166108.2(PALLD):c.1965-12760C>T

Gene: PALLD (palladin, cytoskeletal associated protein; plus strand). Cytogenetic location: 4q32.3.
Variant type: single nucleotide variant.
Coding change: c.1965-12760C>T on transcript NM_001166108.2 (MANE Select); 12760 bases into the intron before coding-DNA position 1965, C replaced by T.
Molecular consequence: intron variant. On other transcripts: missense variant (1).
Genome position (GRCh38, 1-based): chr4:168,878,162, C>T. VCF-style: chr4-168878162-C-T. GRCh37 (hg19) VCF-style: chr4-169799313-C-T.
Other names: c.271C>T, p.Pro91Ser (NM_001166110.2); c.1965-12760C>T (NM_016081.4); c.819-12760C>T (NM_001166109.2); c.-157-12760C>T (NM_001367570.1, NM_001367568.1, NM_001367567.1 and 1 more transcripts); short protein forms P91S.
Identifiers: ClinVar variation 4564197 (VCV004564197.1).